The following is an entry in ClinVar:

ClinVar aggregate classification (germline): Uncertain significance. Review status: criteria provided, multiple submitters, no conflicts (2 of 4 stars). 4 submissions from 4 submitters: Uncertain significance (4). Last evaluated 2026-01-13.

Conditions:
FOXC1-related disorder. Also called: FOXC1-related condition.
Anterior segment dysgenesis 3 (ASGD3). Also called: Glaucoma iridogoniodysplasia, familial; IRIDOGONIODYSGENESIS ANOMALY, AUTOSOMAL DOMINANT. Identifiers: Orphanet 91483, MedGen C5975707, MONDO:0024456, OMIM 601631.
Axenfeld-Rieger syndrome type 3 (RIEG3). Also called: AXENFELD-RIEGER ANOMALY WITH CARDIAC DEFECTS AND/OR SENSORINEURAL HEARING LOSS. Identifiers: Orphanet 782, MedGen C2678503, MONDO:0011233, OMIM 602482.

Submissions (4):

PreventionGenetics, part of Exact Sciences
Classification: Uncertain significance for FOXC1-related condition. Last evaluated: 2026-01-13. Review status: criteria provided, single submitter. Criteria: ACMG Guidelines, 2015. Collection method: clinical testing. Allele origin: germline.
Comment: The FOXC1 c.1161_1169dup9 variant is predicted to result in an in-frame duplication (p.Gly389_Gly391dup). To our knowledge, this variant has not been reported in the literature or in a large population database (gnomAD), indicating this variant is rare. At this time, the clinical significance of this variant is uncertain due to the absence of conclusive functional and genetic evidence.

Blueprint Genetics
Classification: Uncertain significance. Last evaluated: 2024-11-11. Review status: criteria provided, single submitter. Criteria: ACMG Guidelines, 2015. Collection method: clinical testing. Allele origin: germline.

Fulgent Genetics
Classification: Uncertain significance for Anterior segment dysgenesis 3; Axenfeld-Rieger syndrome type 3. Last evaluated: 2023-12-22. Review status: criteria provided, single submitter. Criteria: ACMG Guidelines, 2015. Collection method: clinical testing. Allele origin: germline.

Labcorp Genetics (formerly Invitae), Labcorp
Classification: Uncertain significance for Axenfeld-Rieger syndrome type 3. Last evaluated: 2023-04-16. Review status: criteria provided, single submitter. Criteria: Invitae Variant Classification Sherloc (09022015). Collection method: clinical testing. Allele origin: germline.
Comment: The frequency data for this variant in the population databases is considered unreliable, as metrics indicate insufficient coverage at this position in the gnomAD database. This variant, c.1161_1169dup, results in the insertion of 3 amino acid(s) of the FOXC1 protein (p.Gly389_Gly391dup), but otherwise preserves the integrity of the reading frame. This variant has not been reported in the literature in individuals affected with FOXC1-related conditions. In summary, the available evidence is currently insufficient to determine the role of this variant in disease. Therefore, it has been classified as a Variant of Uncertain Significance. Experimental studies and prediction algorithms are not available or were not evaluated, and the functional significance of this variant is currently unknown. ClinVar contains an entry for this variant (Variation ID: 1510965).

NM_001453.3(FOXC1):c.1161_1169dup (p.386GAG[3])

Gene: FOXC1 (forkhead box C1; plus strand). Cytogenetic location: 6p25.3.
Variant type: Duplication.
Coding change: c.1161_1169dup on transcript NM_001453.3 (MANE Select); coding-DNA positions 1161 to 1169, 9 bases duplicated (GGGCGGCGC; older notation c.1161_1169dupGGGCGGCGC).
Protein change: p.386GAG[3].
Molecular consequence: inframe insertion.
Genome position (GRCh38, 1-based): chr6:1,611,606-1,611,614, GGGCGGCGC duplicated; duplicating any 9 consecutive bases within chr6:1,611,601-1,611,614 gives the same sequence; the c. name uses the placement nearest the transcript's 3' end. VCF-style (leftmost placement, unchanged base first): chr6-1611600-G-GGGCGCGGGC. GRCh37 (hg19) VCF-style: chr6-1611835-G-GGGCGCGGGC.
Other names: c.1161_1169dup9 (NM_001453.2).
Identifiers: ClinVar variation 1510965 (VCV001510965.12), dbSNP rs1462344492, ClinGen allele CA821648477.